The following is an entry in ClinVar:

NM_006494.4(ERF):c.986G>T (p.Arg329Leu)

Gene: ERF (ETS2 repressor factor; minus strand). Cytogenetic location: 19q13.2.
Variant type: single nucleotide variant.
Coding change: c.986G>T on transcript NM_006494.4 (MANE Select); coding-DNA position 986, G replaced by T.
Protein change: p.Arg329Leu; replaces arginine 329 with leucine.
Molecular consequence: missense variant.
Genome position (GRCh38, 1-based): chr19:42,249,126, C>A on the plus strand (G>T on the coding strand, the complement: ERF is on the minus strand). VCF-style: chr19-42249126-C-A. GRCh37 (hg19) VCF-style: chr19-42753278-C-A.
Other names: c.761G>T, p.Arg254Leu (NM_001301035.2, NM_001308402.2, NM_001312656.2); short protein forms R254L, R329L.
Identifiers: ClinVar variation 2662488 (VCV002662488.1), dbSNP rs1272093617, ClinGen allele CA406109132.
Genomic context (GRCh38, chr19:42,249,126, plus strand): 5'-GGGCACTTGTCAGGGCGCTGGGGCTGGGGCACCACCAGCCCAGGGTAGTGCAGGAAGGCG[C>A]GGGGGCTGAGGTGGTAGTTGTAGACGCTTTGGGTGTGGGCCTGCAGGTACCGTTTCATGT-3'
Protein context (NP_006485.2, residues 319-339): QSVYNYHLSP[Arg329Leu]AFLHYPGLVV

ClinVar aggregate classification (germline): Uncertain significance (1 of 4 stars; one submission).

Submission:

GeneDx
Classification: Uncertain significance. Last evaluated: 2023-04-16. Review status: criteria provided, single submitter. Criteria: GeneDx Variant Classification Process June 2021. Collection method: clinical testing. Allele origin: germline. Affected: yes.
Comment: Not observed at significant frequency in large population cohorts (gnomAD); In silico analysis supports that this missense variant has a deleterious effect on protein structure/function; Has not been previously published as pathogenic or benign to our knowledge